The following is an entry in ClinVar:

NM_002474.3(MYH11):c.4269C>A (p.Asn1423Lys)

Genes: MYH11 (myosin heavy chain 11; minus strand), NDE1 (nudE neurodevelopment protein 1; plus strand). Cytogenetic location: 16p13.11.
Variant type: single nucleotide variant.
Coding change: c.4269C>A on transcript NM_002474.3 (MANE Select); coding-DNA position 4269, C replaced by A.
Protein change: p.Asn1423Lys; replaces asparagine 1423 with lysine.
Molecular consequence: missense variant. On other transcripts: 3 prime UTR variant (2).
Genome position (GRCh38, 1-based): chr16:15,724,257, G>T on the plus strand (C>A on the coding strand, the complement: MYH11 is on the minus strand). VCF-style: chr16-15724257-G-T. GRCh37 (hg19) VCF-style: chr16-15818114-G-T.
Other names: c.4290C>A, p.Asn1430Lys (NM_001040113.2, NM_001040114.2); c.4269C>A, p.Asn1423Lys (NM_022844.3); c.*6G>T (NM_001143979.2, NM_017668.3); c.4269C>A (NM_002474.2); short protein forms N1423K, N1430K.
Identifiers: ClinVar variation 1171665 (VCV001171665.8), dbSNP rs990642038, ClinGen allele CA394857214.

ClinVar aggregate classification (germline): Uncertain significance. Review status: criteria provided, multiple submitters, no conflicts (2 of 4 stars). 4 submissions from 4 submitters: Uncertain significance (4). Last evaluated 2026-01-02.

Conditions:
Aortic aneurysm, familial thoracic 4 (AAT4). Also called: AORTIC ANEURYSM/AORTIC DISSECTION AND PATENT DUCTUS ARTERIOSUS. Identifiers: MedGen C1851504, MONDO:0007568, OMIM 132900.
Familial thoracic aortic aneurysm and aortic dissection (TAAD). Also called: Thoracic aortic aneurysms and dissections. Identifiers: Orphanet 91387, MedGen C4707243, MONDO:0019625.

Allele frequency attached by ClinVar (database versions not stated): TOPMed 0.00001.
gnomAD v4.1: 6 of 1,614,218 alleles (0.00037%); highest among the groups gnomAD compares: Admixed American, 0.0017%; 1 homozygote.

Submissions (4):

Ambry Genetics
Classification: Uncertain significance for Familial thoracic aortic aneurysm and aortic dissection. Last evaluated: 2026-01-02. Review status: criteria provided, single submitter. Criteria: Ambry Variant Classification Scheme 2023. Collection method: clinical testing. Allele origin: germline.
Comment: The p.N1423K variant (also known as c.4269C>A), located in coding exon 30 of the MYH11 gene, results from a C to A substitution at nucleotide position 4269. The asparagine at codon 1423 is replaced by lysine, an amino acid with similar properties. This amino acid position is conserved. In addition, this alteration is predicted to be tolerated by in silico analysis. Based on the available evidence, the clinical significance of this variant remains unclear.

Labcorp Genetics (formerly Invitae), Labcorp
Classification: Uncertain significance for Aortic aneurysm, familial thoracic 4. Last evaluated: 2024-09-04. Review status: criteria provided, single submitter. Criteria: Invitae Variant Classification Sherloc (09022015). Collection method: clinical testing. Allele origin: germline.
Comment: This sequence change replaces asparagine, which is neutral and polar, with lysine, which is basic and polar, at codon 1430 of the MYH11 protein (p.Asn1430Lys). This variant is not present in population databases (gnomAD no frequency). This variant has not been reported in the literature in individuals affected with MYH11-related conditions. ClinVar contains an entry for this variant (Variation ID: 1171665). Invitae Evidence Modeling of protein sequence and biophysical properties (such as structural, functional, and spatial information, amino acid conservation, physicochemical variation, residue mobility, and thermodynamic stability) indicates that this missense variant is not expected to disrupt MYH11 protein function with a negative predictive value of 95%. In summary, the available evidence is currently insufficient to determine the role of this variant in disease. Therefore, it has been classified as a Variant of Uncertain Significance.

All of Us Research Program, National Institutes of Health
Classification: Uncertain significance for Familial thoracic aortic aneurysm and aortic dissection. Last evaluated: 2024-08-06. Review status: criteria provided, single submitter. Criteria: ACMG Guidelines, 2015. Collection method: clinical testing. Allele origin: germline. Inheritance: Autosomal dominant inheritance. Observed: 1 variant allele, 1 heterozygote.
Comment: This missense variant replaces asparagine with lysine at codon 1430 of the MYH11 protein. Computational prediction suggests that this variant may not impact protein structure and function (internally defined REVEL score threshold <= 0.5, PMID: 27666373). To our knowledge, functional studies have not been reported for this variant. This variant has not been reported in individuals affected with cardiovascular disorders in the literature. This variant has not been identified in the general population by the Genome Aggregation Database (gnomAD). The available evidence is insufficient to determine the role of this variant in disease conclusively. Therefore, this variant is classified as a Variant of Uncertain Significance.

This study involves interpretation of variants in research participants for the purpose of population health screening. Participant phenotype was not available at the time of variant classification. Additional details can be found in publication PMID: 35346344, PMCID: PMC8962531

Color Diagnostics, LLC DBA Color Health
Classification: Uncertain significance for Familial thoracic aortic aneurysm and aortic dissection. Last evaluated: 2024-03-06. Review status: criteria provided, single submitter. Criteria: ACMG Guidelines, 2015. Collection method: clinical testing. Allele origin: germline.
Comment: This missense variant replaces asparagine with lysine at codon 1430 of the MYH11 protein. Computational prediction suggests that this variant may not impact protein structure and function (internally defined REVEL score threshold <= 0.5, PMID: 27666373). To our knowledge, functional studies have not been reported for this variant. This variant has not been reported in individuals affected with cardiovascular disorders in the literature. This variant has not been identified in the general population by the Genome Aggregation Database (gnomAD). The available evidence is insufficient to determine the role of this variant in disease conclusively. Therefore, this variant is classified as a Variant of Uncertain Significance.